The following is an entry in ClinVar:

NM_000742.4(CHRNA2):c.556G>A (p.Asp186Asn)

Gene: CHRNA2 (cholinergic receptor nicotinic alpha 2 subunit; minus strand). Cytogenetic location: 8p21.2.
Variant type: single nucleotide variant.
Coding change: c.556G>A on transcript NM_000742.4 (MANE Select); coding-DNA position 556, G replaced by A.
Protein change: p.Asp186Asn; replaces aspartic acid 186 with asparagine.
Molecular consequence: missense variant. On other transcripts: intron variant (2).
Genome position (GRCh38, 1-based): chr8:27,463,887, C>T on the plus strand (G>A on the coding strand, the complement: CHRNA2 is on the minus strand). VCF-style: chr8-27463887-C-T. GRCh37 (hg19) VCF-style: chr8-27321404-C-T.
Other names: c.511G>A, p.Asp171Asn (NM_001282455.2); c.79G>A, p.Asp27Asn (NM_001347705.2, NM_001347706.2); c.-12-27G>A (NM_001347708.2); c.-9-30G>A (NM_001347707.2); short protein forms D171N, D186N, D27N.
Identifiers: ClinVar variation 2893061 (VCV002893061.3), dbSNP rs1378630657, ClinGen allele CA370811346.

ClinVar aggregate classification (germline): Uncertain significance (1 of 4 stars; one submission).

Conditions:
Familial sleep-related hypermotor epilepsy. Also called: Autosomal Dominant Sleep-Related Hypermotor (Hyperkinetic) Epilepsy. Identifiers: Orphanet 98784, MedGen C3696898, MONDO:0000030.

Allele frequency attached by ClinVar (database versions not stated): gnomAD exomes below 0.00001.
gnomAD v4.1: 2 of 1,614,186 alleles (0.00012%); highest among the groups gnomAD compares: East Asian, 0.0022%; no homozygotes.

Submission:

Labcorp Genetics (formerly Invitae), Labcorp
Classification: Uncertain significance. Last evaluated: 2023-05-20. Review status: criteria provided, single submitter. Criteria: Invitae Variant Classification Sherloc (09022015). Collection method: clinical testing. Allele origin: germline.
Comment: This variant is not present in population databases (gnomAD no frequency). This variant has not been reported in the literature in individuals affected with CHRNA2-related conditions. Advanced modeling of protein sequence and biophysical properties (such as structural, functional, and spatial information, amino acid conservation, physicochemical variation, residue mobility, and thermodynamic stability) performed at Invitae indicates that this missense variant is not expected to disrupt CHRNA2 protein function. In summary, the available evidence is currently insufficient to determine the role of this variant in disease. Therefore, it has been classified as a Variant of Uncertain Significance. This sequence change replaces aspartic acid, which is acidic and polar, with asparagine, which is neutral and polar, at codon 186 of the CHRNA2 protein (p.Asp186Asn).